The following is an entry in ClinVar:

NM_004281.4(BAG3):c.1047A>T (p.Lys349Asn)

Gene: BAG3 (BAG cochaperone 3; plus strand). Cytogenetic location: 10q26.11.
Variant type: single nucleotide variant.
Coding change: c.1047A>T on transcript NM_004281.4 (MANE Select); coding-DNA position 1047, A replaced by T.
Protein change: p.Lys349Asn; replaces lysine 349 with asparagine.
Molecular consequence: missense variant.
Genome position (GRCh38, 1-based): chr10:119,676,601, A>T. VCF-style: chr10-119676601-A-T. GRCh37 (hg19) VCF-style: chr10-121436113-A-T.
Other names: short protein forms K349N.
Identifiers: ClinVar variation 2135521 (VCV002135521.4), dbSNP rs776281341, ClinGen allele CA378296530.
Genomic context (GRCh38, chr10:119,676,601, plus strand): 5'-ACCAGAACTCCCTCCTGGACACATCCCAATTCAAGTGATCCGCAAAGAGGTGGATTCTAA[A>T]CCTGTTTCCCAGAAGCCCCCACCTCCCTCTGAGAAGGTAGAGGTGAAAGTTCCCCCTGCT-3'
Protein context (NP_004272.2, residues 339-359): IQVIRKEVDS[Lys349Asn]PVSQKPPPPS

ClinVar aggregate classification (germline): Uncertain significance (1 of 4 stars; one submission).

Conditions:
Dilated cardiomyopathy 1HH (CMD1HH). Identifiers: Orphanet 154, MedGen C3151293, MONDO:0013479, OMIM 613881.
Myofibrillar myopathy 6. Identifiers: Orphanet 199340, MedGen C2751831, MONDO:0013061, OMIM 612954.

Submission:

Labcorp Genetics (formerly Invitae), Labcorp
Classification: Uncertain significance for Dilated cardiomyopathy 1HH; Myofibrillar myopathy 6. Last evaluated: 2022-05-08. Review status: criteria provided, single submitter. Criteria: Invitae Variant Classification Sherloc (09022015). Collection method: clinical testing. Allele origin: germline.
Comment: This sequence change replaces lysine, which is basic and polar, with asparagine, which is neutral and polar, at codon 349 of the BAG3 protein (p.Lys349Asn). This variant is not present in population databases (gnomAD no frequency). This variant has not been reported in the literature in individuals affected with BAG3-related conditions. Algorithms developed to predict the effect of missense changes on protein structure and function are either unavailable or do not agree on the potential impact of this missense change (SIFT: "Deleterious"; PolyPhen-2: "Not Available"; Align-GVGD: "Class C0"). In summary, the available evidence is currently insufficient to determine the role of this variant in disease. Therefore, it has been classified as a Variant of Uncertain Significance.